The following is an entry in ClinVar:

NM_001148.6(ANK2):c.2825G>C (p.Arg942Thr)

Gene: ANK2 (ankyrin 2; plus strand). Cytogenetic location: 4q26.
Variant type: single nucleotide variant.
Coding change: c.2825G>C on transcript NM_001148.6 (MANE Select); coding-DNA position 2825, G replaced by C.
Protein change: p.Arg942Thr; replaces arginine 942 with threonine.
Molecular consequence: missense variant.
Genome position (GRCh38, 1-based): chr4:113,318,545, G>C. VCF-style: chr4-113318545-G-C. GRCh37 (hg19) VCF-style: chr4-114239701-G-C.
Other names: p.R942T:AGG>ACG; c.2762G>C, p.Arg921Thr (NM_001127493.3, NM_001354243.2, NM_001354255.2 and 3 more transcripts); c.2837G>C, p.Arg946Thr (NM_001354225.2); c.2825G>C, p.Arg942Thr (NM_001354228.2, NM_001354232.2, NM_001354258.2 and 1 more transcripts); c.2867G>C, p.Arg956Thr (NM_001354230.2, NM_001354231.2, NM_001354237.2 and 1 more transcripts); c.2822G>C, p.Arg941Thr (NM_001354235.2, NM_001354236.2, NM_001354246.2 and 1 more transcripts); c.2759G>C, p.Arg920Thr (NM_001354239.2, NM_001354244.2, NM_001354252.2 and 3 more transcripts); c.2870G>C, p.Arg957Thr (NM_001354240.2, NM_001354241.2, NM_001386144.1); and 18 more; short protein forms R921T, R942T, R880T, R888T, R909T, R920T, R941T, R946T.
Identifiers: ClinVar variation 190556 (VCV000190556.2), dbSNP rs772661712, ClinGen allele CA300840.

ClinVar aggregate classification (germline): Uncertain significance (1 of 4 stars; one submission).

Submission:

GeneDx
Classification: Uncertain significance. Last evaluated: 2014-07-08. Review status: criteria provided, single submitter. Criteria: GeneDx Variant Classification (06012015). Collection method: clinical testing. Allele origin: germline. Affected: yes.
Comment: p.Arg942Thr (AGG>ACG): c.2825 G>C in exon 26 of the ANK2 gene (NM_001148.4). The R942T variant has not been published as a mutation or as a benign polymorphism to our knowledge. The R942T variant was not observed in approximately 6,500 individuals of European and African American ancestry in the NHLBI Exome Sequencing Project, indicating it is not a common benign variant in these populations. In addition, the R942T variant is a semi-conservative amino acid substitution, which may impact secondary protein structure as these residues differ in some properties. Moreover, this substitution occurs at a position that is completely conserved in mammals. However, in silico analysis is inconsistent in its predictions as to whether or not the variant is damaging to the protein structure/function. Furthermore, no missense mutations in nearby residues have been reported in the association with LQTS, indicating this region of the protein may be tolerant of change.Therefore, based on the currently available information, it is unclear whether this variant is a pathogenic mutation or a rare benign variant. The variant is found in ARRHYTHMIA panel(s).